The following is an entry in ClinVar:

ClinVar aggregate classification (germline): Pathogenic. Review status: criteria provided, multiple submitters, no conflicts (2 of 4 stars). 2 submissions from 2 submitters: Pathogenic (2). Last evaluated 2025-04-04.

Conditions:
Hereditary cancer-predisposing syndrome. Also called: Tumor predisposition; Hereditary neoplastic syndrome; Hereditary Cancer Syndrome; Neoplastic Syndromes, Hereditary. Identifiers: Orphanet 140162, MedGen C0027672, MeSH D009386, MONDO:0015356.
Hereditary nonpolyposis colorectal neoplasms. Identifiers: MedGen C0009405, MeSH D003123.

Submissions (2):

Ambry Genetics
Classification: Pathogenic for Hereditary cancer-predisposing syndrome. Last evaluated: 2025-04-04. Review status: criteria provided, single submitter. Criteria: Ambry Variant Classification Scheme 2023. Collection method: clinical testing. Allele origin: germline.
Comment: The c.723dupT pathogenic mutation, located in coding exon 4 of the MSH6 gene, results from a duplication of T at nucleotide position 723, causing a translational frameshift with a predicted alternate stop codon (p.S242*). This variant was reported in an individual with a family history consistent with MSH6-related Lynch syndrome (Talseth-Palmer BA et al. Hered Cancer Clin Pract, 2010 May;8:5). This variant is considered to be rare based on population cohorts in the Genome Aggregation Database (gnomAD). In addition to the clinical data presented in the literature, this alteration is expected to result in loss of function by premature protein truncation or nonsense-mediated mRNA decay. As such, this alteration is interpreted as a disease-causing mutation.

Labcorp Genetics (formerly Invitae), Labcorp
Classification: Pathogenic for Hereditary nonpolyposis colorectal neoplasms. Last evaluated: 2023-03-08. Review status: criteria provided, single submitter. Criteria: Invitae Variant Classification Sherloc (09022015). Collection method: clinical testing. Allele origin: germline.
Comment: For these reasons, this variant has been classified as Pathogenic. ClinVar contains an entry for this variant (Variation ID: 578189). This premature translational stop signal has been observed in individual(s) with Lynch syndrome (PMID: 20487569). This variant is not present in population databases (gnomAD no frequency). This sequence change creates a premature translational stop signal (p.Ser242*) in the MSH6 gene. It is expected to result in an absent or disrupted protein product. Loss-of-function variants in MSH6 are known to be pathogenic (PMID: 18269114, 24362816).

Literature cited by the submitters: PubMed 20487569 (cited by Ambry Genetics and Labcorp Genetics (formerly Invitae), Labcorp); PubMed 18269114 (cited by Labcorp Genetics (formerly Invitae), Labcorp); PubMed 24362816 (cited by Labcorp Genetics (formerly Invitae), Labcorp).

NM_000179.3(MSH6):c.723dup (p.Ser242Ter)

Gene: MSH6 (mutS homolog 6; plus strand). Cytogenetic location: 2p16.3.
Variant type: Duplication.
Coding change: c.723dup on transcript NM_000179.3 (MANE Select); coding-DNA position 723, one base duplicated (T; older notation c.723dupT).
Protein change: p.Ser242Ter; replaces serine 242 with a stop codon.
Molecular consequence: nonsense. On other transcripts: 5 prime UTR variant (2).
Genome position (GRCh38, 1-based): chr2:47,798,706, T duplicated. VCF-style (leftmost placement, unchanged base first): chr2-47798705-G-GT. GRCh37 (hg19) VCF-style: chr2-48025844-G-GT.
Other names: c.333dup, p.Ser112Ter (NM_001281492.2); c.-184dup (NM_001281493.2, NM_001281494.2); c.723dupT (NM_000179.2); short protein forms S112*, S242*.
Identifiers: ClinVar variation 578189 (VCV000578189.10), dbSNP rs1558659056, ClinGen allele CA891842824.